The following is an entry in ClinVar:

ClinVar aggregate classification (germline): Uncertain significance (1 of 4 stars; one submission).

Conditions:
TRPC5-related disorder. Also called: TRPC5-related condition.

gnomAD v4.1: 5 of 1,199,105 alleles (0.00042%); highest among the groups gnomAD compares: African/African-American, 0.0018%; no homozygotes.

Submission:

PreventionGenetics, part of Exact Sciences
Classification: Uncertain significance for TRPC5-related condition. Last evaluated: 2025-12-18. Review status: criteria provided, single submitter. Criteria: ACMG Guidelines, 2015. Collection method: clinical testing. Allele origin: germline.
Comment: The TRPC5 c.2874G>C variant is predicted to result in the amino acid substitution p.Met958Ile. To our knowledge, this variant has not been reported in the literature or in a large population database (gnomAD), indicating this variant is rare. At this time, the clinical significance of this variant is uncertain due to the absence of conclusive functional and genetic evidence.

NM_012471.3(TRPC5):c.2874G>C (p.Met958Ile)

Gene: TRPC5 (transient receptor potential cation channel subfamily C member 5; minus strand). Cytogenetic location: Xq23.
Variant type: single nucleotide variant.
Coding change: c.2874G>C on transcript NM_012471.3 (MANE Select); coding-DNA position 2874, G replaced by C.
Protein change: p.Met958Ile; replaces methionine 958 with isoleucine.
Molecular consequence: missense variant.
Genome position (GRCh38, 1-based): chrX:111,776,361, C>G on the plus strand (G>C on the coding strand, the complement: TRPC5 is on the minus strand). VCF-style: chrX-111776361-C-G. GRCh37 (hg19) VCF-style: chrX-111019589-C-G.
Other names: short protein forms M958I.
Identifiers: ClinVar variation 4985653 (VCV004985653.1).